The following is an entry in ClinVar:

ClinVar aggregate classification (germline): Uncertain significance (1 of 4 stars; one submission).

Conditions:
Hereditary cancer-predisposing syndrome. Also called: Neoplastic Syndromes, Hereditary; Tumor predisposition; Hereditary Cancer Syndrome; Hereditary neoplastic syndrome. Identifiers: Orphanet 140162, MedGen C0027672, MeSH D009386, MONDO:0015356.

Submission:

Ambry Genetics
Classification: Uncertain significance for Hereditary cancer-predisposing syndrome. Last evaluated: 2026-04-26. Review status: criteria provided, single submitter. Criteria: Ambry Variant Classification Scheme 2023. Collection method: clinical testing. Allele origin: germline.
Comment: The p.I434T variant (also known as c.1301T>C), located in coding exon 4 of the BARD1 gene, results from a T to C substitution at nucleotide position 1301. The isoleucine at codon 434 is replaced by threonine, an amino acid with similar properties. This amino acid position is conserved. In addition, the in silico prediction for this alteration is inconclusive. Based on the available evidence, the clinical significance of this variant remains unclear.

NM_000465.4(BARD1):c.1301T>C (p.Ile434Thr)

Gene: BARD1 (BRCA1 associated RING domain 1; minus strand). Cytogenetic location: 2q35.
Variant type: single nucleotide variant.
Coding change: c.1301T>C on transcript NM_000465.4 (MANE Select); coding-DNA position 1301, T replaced by C.
Protein change: p.Ile434Thr; replaces isoleucine 434 with threonine.
Molecular consequence: missense variant. On other transcripts: non-coding transcript variant (2), intron variant (3).
Genome position (GRCh38, 1-based): chr2:214,780,573, A>G on the plus strand (T>C on the coding strand, the complement: BARD1 is on the minus strand). VCF-style: chr2-214780573-A-G. GRCh37 (hg19) VCF-style: chr2-215645297-A-G.
Other names: c.1244T>C, p.Ile415Thr (NM_001282543.2); c.159-28018T>C (NM_001282548.2); c.215+16488T>C (NM_001282545.2); c.364+11724T>C (NM_001282549.2); short protein forms I415T, I434T.
Identifiers: ClinVar variation 4867399 (VCV004867399.1).